The following is an entry in ClinVar:

NM_001457.4(FLNB):c.541+282G>C

Gene: FLNB (filamin B; plus strand). Cytogenetic location: 3p14.3.
Variant type: single nucleotide variant.
Coding change: c.541+282G>C on transcript NM_001457.4 (MANE Select); 282 bases into the intron after coding-DNA position 541, G replaced by C.
Molecular consequence: intron variant.
Genome position (GRCh38, 1-based): chr3:58,077,576, G>C. VCF-style: chr3-58077576-G-C. GRCh37 (hg19) VCF-style: chr3-58063303-G-C.
Other names: c.541+282G>C (NM_001164317.2, NM_001164318.2, NM_001164319.2).
Identifiers: ClinVar variation 670721 (VCV000670721.1), dbSNP rs9850519, ClinGen allele CA75427878.

ClinVar aggregate classification (germline): Benign (1 of 4 stars; one submission).

Allele frequency attached by ClinVar (database versions not stated): 1000 Genomes Project 0.17332; 1000 Genomes Project 30x 0.17583; TOPMed 0.24941; gnomAD 0.26117 and 0.26216.
gnomAD v4.1: 39,776 of 152,018 alleles (26%); highest among the groups gnomAD compares: Middle Eastern, 40%; 6,075 homozygotes.

Submission:

GeneDx
Classification: Benign. Last evaluated: 2018-06-14. Review status: criteria provided, single submitter. Criteria: GeneDx Variant Classification (06012015). Collection method: clinical testing. Allele origin: germline. Affected: yes.
Comment: This variant is considered likely benign or benign based on one or more of the following criteria: it is a conservative change, it occurs at a poorly conserved position in the protein, it is predicted to be benign by multiple in silico algorithms, and/or has population frequency not consistent with disease.